The following is an entry in ClinVar:

ClinVar aggregate classification (germline): Uncertain significance (1 of 4 stars; one submission).

Conditions:
Hereditary cancer-predisposing syndrome. Also called: Tumor predisposition; Neoplastic Syndromes, Hereditary; Hereditary neoplastic syndrome; Hereditary Cancer Syndrome. Identifiers: Orphanet 140162, MedGen C0027672, MeSH D009386, MONDO:0015356.

Submission:

Ambry Genetics
Classification: Uncertain significance for Hereditary cancer-predisposing syndrome. Last evaluated: 2024-07-27. Review status: criteria provided, single submitter. Criteria: Ambry Variant Classification Scheme 2023. Collection method: clinical testing. Allele origin: germline.
Comment: The p.S296R variant (also known as c.888C>G), located in coding exon 2 of the AXIN2 gene, results from a C to G substitution at nucleotide position 888. The serine at codon 296 is replaced by arginine, an amino acid with dissimilar properties. This amino acid position is conserved. In addition, this alteration is predicted to be deleterious by in silico analysis. Based on the available evidence, the clinical significance of this variant remains unclear.

NM_004655.4(AXIN2):c.888C>G (p.Ser296Arg)

Gene: AXIN2 (axin 2; minus strand). Cytogenetic location: 17q24.1.
Variant type: single nucleotide variant.
Coding change: c.888C>G on transcript NM_004655.4 (MANE Select); coding-DNA position 888, C replaced by G.
Protein change: p.Ser296Arg; replaces serine 296 with arginine.
Molecular consequence: missense variant.
Genome position (GRCh38, 1-based): chr17:65,549,588, G>C on the plus strand (C>G on the coding strand, the complement: AXIN2 is on the minus strand). VCF-style: chr17-65549588-G-C. GRCh37 (hg19) VCF-style: chr17-63545706-G-C.
Other names: c.888C>G, p.Ser296Arg (NM_001363813.1); short protein forms S296R.
Identifiers: ClinVar variation 3470128 (VCV003470128.1).
Genomic context (GRCh38, chr17:65,549,588, plus strand): 5'-GTCCGTCATGGACATGGAATCATCCGTCAGCGCATCACTGGATATCTCACTGTCGTTGGC[G>C]CTGGTGGCTGGTGCAAAGACATAGCCAGAACCTATGTGATAAGGATTAACAGGATCGCTC-3'
Protein context (NP_004646.3, residues 286-306): GSGYVFAPAT[Ser296Arg]ANDSEISSDA